The following is an entry in ClinVar:

ClinVar aggregate classification (germline): Benign/Likely benign. Review status: criteria provided, multiple submitters, no conflicts (2 of 4 stars). 3 submissions from 3 submitters: Benign (1); Likely benign (2). Last evaluated 2025-04-07.

Conditions:
Hereditary cancer-predisposing syndrome. Also called: Hereditary Cancer Syndrome; Hereditary neoplastic syndrome; Neoplastic Syndromes, Hereditary; Tumor predisposition. Identifiers: Orphanet 140162, MedGen C0027672, MeSH D009386, MONDO:0015356.
Familial adenomatous polyposis 1 (FAP1). Also called: FAMILIAL ADENOMATOUS POLYPOSIS 1, ATTENUATED; POLYPOSIS, ADENOMATOUS INTESTINAL. Identifiers: MedGen C2713442, MONDO:0021056, OMIM 175100. Disease mechanism: loss of function.

Submissions (3):

Labcorp Genetics (formerly Invitae), Labcorp
Classification: Likely benign for Familial adenomatous polyposis 1. Last evaluated: 2025-04-07. Review status: criteria provided, single submitter. Criteria: Invitae Variant Classification Sherloc (09022015). Collection method: clinical testing. Allele origin: germline.

Myriad Genetics, Inc.
Classification: Benign for Familial adenomatous polyposis 1. Last evaluated: 2024-03-18. Review status: criteria provided, single submitter. Criteria: Myriad Autosomal Dominant, Autosomal Recessive and X-Linked Classification Criteria (2023). Collection method: clinical testing. Allele origin: unknown.
Comment: This variant is considered benign. This variant is a silent/synonymous amino acid change and it is not expected to impact splicing.

Ambry Genetics
Classification: Likely benign for Hereditary cancer-predisposing syndrome. Last evaluated: 2019-12-22. Review status: criteria provided, single submitter. Criteria: Ambry Variant Classification Scheme 2023. Collection method: clinical testing. Allele origin: germline.

NM_000038.6(APC):c.3441C>T (p.Tyr1147=)

Gene: APC (APC regulator of Wnt signaling pathway; plus strand). Cytogenetic location: 5q22.2.
Variant type: single nucleotide variant.
Coding change: c.3441C>T on transcript NM_000038.6 (MANE Select); coding-DNA position 3441, C replaced by T.
Protein change: p.Tyr1147=; no amino-acid change (tyrosine 1147 retained).
Molecular consequence: synonymous variant.
Genome position (GRCh38, 1-based): chr5:112,839,035, C>T. VCF-style: chr5-112839035-C-T. GRCh37 (hg19) VCF-style: chr5-112174732-C-T.
Other names: c.3441C>T, p.Tyr1147= (NM_001127510.3, NM_001354895.2); c.3387C>T, p.Tyr1129= (NM_001127511.3); c.3495C>T, p.Tyr1165= (NM_001354896.2); c.3471C>T, p.Tyr1157= (NM_001354897.2); c.3366C>T, p.Tyr1122= (NM_001354898.2); c.3357C>T, p.Tyr1119= (NM_001354899.2); c.3318C>T, p.Tyr1106= (NM_001354900.2); c.3264C>T, p.Tyr1088= (NM_001354901.2); and 5 more.
Identifiers: ClinVar variation 1567623 (VCV001567623.10), dbSNP rs2149891970, ClinGen allele CA445963888.
Genomic context (GRCh38, chr5:112,839,035, plus strand): 5'-GTCTTTGTGTCAAGAAGATGACTATGAAGATGATAAGCCTACCAATTATAGTGAACGTTA[C>T]TCTGAAGAAGAACAGCATGAAGAAGAAGAGAGACCAACAAATTATAGCATAAAATATAAT-3'
Protein context (NP_000029.2, residues 1137-1157): DDKPTNYSER[Tyr1147=]SEEEQHEEEE